The following is an entry in ClinVar:

NM_000214.3(JAG1):c.127C>A (p.Gln43Lys)

Gene: JAG1 (jagged canonical Notch ligand 1; minus strand). Cytogenetic location: 20p12.2.
Variant type: single nucleotide variant.
Coding change: c.127C>A on transcript NM_000214.3 (MANE Select); coding-DNA position 127, C replaced by A.
Protein change: p.Gln43Lys; replaces glutamine 43 with lysine.
Molecular consequence: missense variant.
Genome position (GRCh38, 1-based): chr20:10,672,961, G>T on the plus strand (C>A on the coding strand, the complement: JAG1 is on the minus strand). VCF-style: chr20-10672961-G-T. GRCh37 (hg19) VCF-style: chr20-10653609-G-T.
Other names: short protein forms Q43K.
Identifiers: ClinVar variation 3573241 (VCV003573241.2).
Genomic context (GRCh38, chr20:10,672,961, plus strand): 5'-CTCCCGGGTTCCGGGCGCCGCCGCAGCAGTTCCCGTTCTGCAGCTCCCCGTTCACGTTCT[G>T]CATGGACAGGATCTCCAACTCGAACTGACCCGAGGCCCCACACACCTGCCGGCGAGGGAA-3'
Protein context (NP_000205.1, residues 33-53): GQFELEILSM[Gln43Lys]NVNGELQNGN

Conditions:
Arteriohepatic dysplasia. Also called: Alagille Syndrome. Identifiers: Orphanet 52, MedGen C0085280, MeSH D016738, MONDO:0007318.

gnomAD v4.1: 1 of 1,612,228 alleles (0.000062%); highest among the groups gnomAD compares: Non-Finnish European, 0.000085%; no homozygotes.

Submission:

Gilbert/Spinner Lab, Children's Hospital of Philadelphia
No classification provided (evidence only). Condition: Alagille syndrome. Review status: no classification provided. Collection method: research. Allele origin: not applicable. Functional consequence: functionally_abnormal.
ClinVar note: "not provided" was previously submitted as the classification for the variant. However, the classification appeared to be based only on an observation of functional data so it was converted to no classification on 2025-07-30.